The following is an entry in ClinVar:

NM_020778.4(ALPK3):c.274delC

Gene: ALPK3 (alpha kinase 3; plus strand). Cytogenetic location: 15q25.3.
Variant type: Deletion.
Coding change: c.274delC on transcript NM_020778.4; coding-DNA position 274, one base deleted (C).
Genome position (GRCh38, 1-based): chr15:84,817,120, C deleted; the last of 3 consecutive C bases (chr15:84,817,118-84,817,120); deleting any one gives the same sequence. VCF-style (leftmost placement, unchanged base first): chr15-84817117-AC-A. GRCh37 (hg19) VCF-style: chr15-85360348-AC-A.
Identifiers: ClinVar variation 4871218 (VCV004871218.1).

ClinVar aggregate classification (germline): Uncertain significance (1 of 4 stars; one submission).

Conditions:
Cardiovascular phenotype. Identifiers: MedGen CN230736.

Submission:

Ambry Genetics
Classification: Uncertain significance for Cardiovascular phenotype. Last evaluated: 2026-04-09. Review status: criteria provided, single submitter. Criteria: Ambry Variant Classification Scheme 2023. Collection method: clinical testing. Allele origin: germline.
Comment: The c.274delC variant, located in coding exon 1 of the ALPK3 gene, results from a deletion of one nucleotide at nucleotide position 274, causing a translational frameshift with a predicted alternate stop codon (p.R92Afs*62). This variant is expected to result in loss of function by premature protein truncation or nonsense-mediated mRNA decay. However, based on data from gnomAD, several loss of function alterations in the first exon of ALPK3 (p.C64* and p.E148Qfs*8) are too frequent to cause disease given the incidence of pediatric cardiomyopathy. The abundance of nonsense and frameshift alleles in the first exon in population databases brings into question the pathogenicity of loss of function alterations in N-terminus of ALPK3 and suggests the possibility of an alternative start site. Since supporting evidence is limited at this time, the clinical significance of this alteration remains unclear.